The following is an entry in ClinVar:

ClinVar aggregate classification (germline): Conflicting classifications of pathogenicity. Review status: criteria provided, conflicting classifications (1 of 4 stars). 3 submissions from 3 submitters: Uncertain significance (2); Benign (1). Last evaluated 2025-07-13.

Conditions:
Inborn genetic diseases. Identifiers: MedGen C0950123, MeSH D030342.

Allele frequency attached by ClinVar (database versions not stated): ExAC 0.00001; gnomAD exomes 0.00001; gnomAD 0.00003 and 0.00004; TOPMed 0.00005; 1000 Genomes Project 0.00020; 1000 Genomes Project 30x 0.00031.
gnomAD v4.1: 24 of 1,613,636 alleles (0.0015%); highest among the groups gnomAD compares: African/African-American, 0.0067%; no homozygotes.

Submissions (3):

Ambry Genetics
Classification: Uncertain significance for Inborn genetic diseases. Last evaluated: 2025-07-13. Review status: criteria provided, single submitter. Criteria: Ambry Variant Classification Scheme 2023. Collection method: clinical testing. Allele origin: germline.

GeneDx
Classification: Uncertain significance. Last evaluated: 2024-04-08. Review status: criteria provided, single submitter. Criteria: GeneDx Variant Classification Process June 2021. Collection method: clinical testing. Allele origin: germline. Affected: yes.
Comment: Not observed at significant frequency in large population cohorts (gnomAD); In silico analysis indicates that this missense variant does not alter protein structure/function; Has not been previously published as pathogenic or benign to our knowledge

Labcorp Genetics (formerly Invitae), Labcorp
Classification: Benign. Last evaluated: 2022-12-13. Review status: criteria provided, single submitter. Criteria: Invitae Variant Classification Sherloc (09022015). Collection method: clinical testing. Allele origin: germline.

NM_001854.4(COL11A1):c.1177C>A (p.Pro393Thr)

Gene: COL11A1 (collagen type XI alpha 1 chain; minus strand). Cytogenetic location: 1p21.1.
Variant type: single nucleotide variant.
Coding change: c.1177C>A on transcript NM_001854.4 (MANE Select); coding-DNA position 1177, C replaced by A.
Protein change: p.Pro393Thr; replaces proline 393 with threonine.
Molecular consequence: missense variant. On other transcripts: non-coding transcript variant (1), intron variant (1).
Genome position (GRCh38, 1-based): chr1:103,022,810, G>T on the plus strand (C>A on the coding strand, the complement: COL11A1 is on the minus strand). VCF-style: chr1-103022810-G-T. GRCh37 (hg19) VCF-style: chr1-103488366-G-T.
Other names: c.1177C>A (NM_001854.3); c.1060C>A, p.Pro354Thr (NM_001190709.2); c.1213C>A, p.Pro405Thr (NM_080629.3); c.898-1041C>A (NM_080630.4); short protein forms P354T, P393T, P405T.
Identifiers: ClinVar variation 1397780 (VCV001397780.9), dbSNP rs556692411, ClinGen allele CA975104.
Genomic context (GRCh38, chr1:103,022,810, plus strand): 5'-CTGTAATATCAGTTTCTGCTGGTACACCTGGACCAAATTCTTCATTAGGGGGGCTTGTTG[G>T]TTTATCTTCATATTCTTTATATTCATAAAAATCATATTCGCCTAAATCTCCATCTACCAG-3'
Protein context (NP_001845.3, residues 383-403): FYEYKEYEDK[Pro393Thr]TSPPNEEFGP